The following is an entry in ClinVar:

ClinVar aggregate classification (germline): Benign/Likely benign. Review status: criteria provided, multiple submitters, no conflicts (2 of 4 stars). 5 submissions from 5 submitters: Benign (1); Likely benign (4). Last evaluated 2026-02-03.

Conditions:
Mitochondrial hypertrophic cardiomyopathy with lactic acidosis due to MTO1 deficiency. Also called: CARDIOMYOPATHY, INFANTILE HYPERTROPHIC MITOCHONDRIAL, AND LACTIC ACIDOSIS; Combined oxidative phosphorylation deficiency 10. Identifiers: Orphanet 314637, MedGen C4749921, MONDO:0013865, OMIM 614702.

Allele frequency attached by ClinVar (database versions not stated): 1000 Genomes Project 30x 0.00031; 1000 Genomes Project 0.00040; gnomAD 0.00147 and 0.00155; TOPMed 0.00159; gnomAD exomes 0.00173; ESP Exome Variant Server 0.00200.
gnomAD v4.1: 2,762 of 1,612,684 alleles (0.17%); highest among the groups gnomAD compares: Non-Finnish European, 0.18%; 7 homozygotes.

Submissions (5):

Labcorp Genetics (formerly Invitae), Labcorp
Classification: Likely benign for Mitochondrial hypertrophic cardiomyopathy with lactic acidosis due to MTO1 deficiency. Last evaluated: 2026-02-03. Review status: criteria provided, single submitter. Criteria: Invitae Variant Classification Sherloc (09022015). Collection method: clinical testing. Allele origin: germline.

CeGaT Center for Human Genetics Tuebingen
Classification: Benign. Last evaluated: 2026-01-01. Review status: criteria provided, single submitter. Criteria: CeGaT Center For Human Genetics Tuebingen Variant Classification Criteria Version 2. Collection method: clinical testing. Allele origin: germline. Affected: yes. Observed: 8 variant alleles.
Comment: MTO1: BP4, BS1, BS2

Mayo Clinic Laboratories, Mayo Clinic
Classification: Likely benign. Last evaluated: 2025-09-10. Review status: criteria provided, single submitter. Criteria: ACMG Guidelines, 2015. Collection method: clinical testing. Allele origin: germline. Observed: 10 variant alleles.
Comment: BS1, BP4_moderate

Blueprint Genetics
Classification: Likely benign. Last evaluated: 2024-11-25. Review status: criteria provided, single submitter. Criteria: ACMG Guidelines, 2015. Collection method: clinical testing. Allele origin: germline.

GeneDx
Classification: Likely benign. Last evaluated: 2021-05-12. Review status: criteria provided, single submitter. Criteria: GeneDx Variant Classification Process June 2021. Collection method: clinical testing. Allele origin: germline. Affected: yes.
Comment: This variant is associated with the following publications: (PMID: 29458409)

Literature cited by the submitters: PubMed 27256614 (cited by Mayo Clinic Laboratories, Mayo Clinic); PubMed 29458409 (cited by Mayo Clinic Laboratories, Mayo Clinic); PubMed 34946966 (cited by Mayo Clinic Laboratories, Mayo Clinic).

NM_012123.4(MTO1):c.1549G>A (p.Val517Met)

Gene: MTO1 (mitochondrial tRNA translation optimization 1; plus strand). Cytogenetic location: 6q13.
Variant type: single nucleotide variant.
Coding change: c.1549G>A on transcript NM_012123.4 (MANE Select); coding-DNA position 1549, G replaced by A.
Protein change: p.Val517Met; replaces valine 517 with methionine.
Molecular consequence: missense variant.
Genome position (GRCh38, 1-based): chr6:73,482,532, G>A. VCF-style: chr6-73482532-G-A. GRCh37 (hg19) VCF-style: chr6-74192255-G-A.
Other names: p.Val517Met; c.1669G>A, p.Val557Met (NM_001123226.2); c.1624G>A, p.Val542Met (NM_133645.3); short protein forms V517M, V542M, V557M.
Identifiers: ClinVar variation 240847 (VCV000240847.49), dbSNP rs139608228, ClinGen allele CA3889680.